The following is an entry in ClinVar:

NM_000548.5(TSC2):c.2708C>T (p.Pro903Leu)

Gene: TSC2 (TSC complex subunit 2; plus strand). Cytogenetic location: 16p13.3.
Variant type: single nucleotide variant.
Coding change: c.2708C>T on transcript NM_000548.5 (MANE Select); coding-DNA position 2708, C replaced by T.
Protein change: p.Pro903Leu; replaces proline 903 with leucine.
Molecular consequence: missense variant. On other transcripts: non-coding transcript variant (5).
Genome position (GRCh38, 1-based): chr16:2,076,136, C>T. VCF-style: chr16-2076136-C-T. GRCh37 (hg19) VCF-style: chr16-2126137-C-T.
Other names: c.2708C>T, p.Pro903Leu (NM_001406665.1, NM_001077183.3, NM_001114382.3 and 6 more transcripts); c.2798C>T, p.Pro933Leu (NM_001406667.1, NM_001406668.1); c.2597C>T, p.Pro866Leu (NM_001406670.1, NM_001406678.1, NM_001318827.2); c.2696C>T, p.Pro899Leu (NM_001406671.1, NM_001406673.1); c.2561C>T, p.Pro854Leu (NM_001406675.1, NM_001406676.1, NM_001318829.2 and 1 more transcripts); c.2651C>T, p.Pro884Leu (NM_001406677.1); c.2108C>T, p.Pro703Leu (NM_001406688.1, NM_001318831.2, NM_001406680.1 and 6 more transcripts); c.1364C>T, p.Pro455Leu (NM_001406689.1, NM_001406690.1, NM_001406691.1 and 6 more transcripts); and 3 more; short protein forms P455L, P884L, P914L, P866L, P899L, P933L, P369L, P903L.
Identifiers: ClinVar variation 2762661 (VCV002762661.3), dbSNP rs2151388289, ClinGen allele CA394279468.
Genomic context (GRCh38, chr16:2,076,136, plus strand): 5'-AGTACATCGTGTGTCTGGCCCATCACGTCATAGCCATGTGGTTCATCAGGTGCCGCCTGC[C>T]CTTCCGGAAGGATTTTGTCCCTTTCATCACTAAGGTGGGCTCAGGGCCGGTGAAGGCTGT-3'
Protein context (NP_000539.2, residues 893-913): IAMWFIRCRL[Pro903Leu]FRKDFVPFIT

ClinVar aggregate classification (germline): Uncertain significance (1 of 4 stars; one submission).

Conditions:
Tuberous sclerosis 2 (TSC2). Identifiers: Orphanet 805, MedGen C1860707, MONDO:0013199, OMIM 613254.

Submission:

Labcorp Genetics (formerly Invitae), Labcorp
Classification: Uncertain significance for Tuberous sclerosis 2. Last evaluated: 2023-09-22. Review status: criteria provided, single submitter. Criteria: Invitae Variant Classification Sherloc (09022015). Collection method: clinical testing. Allele origin: germline.
Comment: This sequence change replaces proline, which is neutral and non-polar, with leucine, which is neutral and non-polar, at codon 903 of the TSC2 protein (p.Pro903Leu). This variant is not present in population databases (gnomAD no frequency). In summary, the available evidence is currently insufficient to determine the role of this variant in disease. Therefore, it has been classified as a Variant of Uncertain Significance. Advanced modeling of protein sequence and biophysical properties (such as structural, functional, and spatial information, amino acid conservation, physicochemical variation, residue mobility, and thermodynamic stability) performed at Invitae indicates that this missense variant is not expected to disrupt TSC2 protein function. This variant has not been reported in the literature in individuals affected with TSC2-related conditions.